The following is an entry in ClinVar:

NM_001378778.1(MPDZ):c.3203C>A (p.Ala1068Asp)

Gene: MPDZ (multiple PDZ domain crumbs cell polarity complex component; minus strand). Cytogenetic location: 9p23.
Variant type: single nucleotide variant.
Coding change: c.3203C>A on transcript NM_001378778.1 (MANE Select); coding-DNA position 3203, C replaced by A.
Protein change: p.Ala1068Asp; replaces alanine 1068 with aspartic acid.
Molecular consequence: missense variant.
Genome position (GRCh38, 1-based): chr9:13,168,417, G>T on the plus strand (C>A on the coding strand, the complement: MPDZ is on the minus strand). VCF-style: chr9-13168417-G-T. GRCh37 (hg19) VCF-style: chr9-13168416-G-T.
Other names: c.3203C>A (NM_003829.3); c.3203C>A, p.Ala1068Asp (NM_001261406.2, NM_001261407.2, NM_001330637.2 and 14 more transcripts); short protein forms A1068D.
Identifiers: ClinVar variation 1976920 (VCV001976920.6), dbSNP rs759126992, ClinGen allele CA4987229.

ClinVar aggregate classification (germline): Uncertain significance. Review status: criteria provided, multiple submitters, no conflicts (2 of 4 stars). 2 submissions from 2 submitters: Uncertain significance (2). Last evaluated 2025-11-26.

Conditions:
Inborn genetic diseases. Identifiers: MedGen C0950123, MeSH D030342.

Allele frequency attached by ClinVar (database versions not stated): TOPMed below 0.00001; ExAC 0.00002.
gnomAD v4.1: 6 of 1,613,506 alleles (0.00037%); highest among the groups gnomAD compares: Middle Eastern, 0.05%; no homozygotes.

Submissions (2):

Ambry Genetics
Classification: Uncertain significance for Inborn genetic diseases. Last evaluated: 2025-11-26. Review status: criteria provided, single submitter. Criteria: Ambry Variant Classification Scheme 2023. Collection method: clinical testing. Allele origin: germline.

Labcorp Genetics (formerly Invitae), Labcorp
Classification: Uncertain significance. Last evaluated: 2022-08-16. Review status: criteria provided, single submitter. Criteria: Invitae Variant Classification Sherloc (09022015). Collection method: clinical testing. Allele origin: germline.
Comment: This variant is present in population databases (rs759126992, gnomAD 0.006%). This sequence change replaces alanine, which is neutral and non-polar, with aspartic acid, which is acidic and polar, at codon 1068 of the MPDZ protein (p.Ala1068Asp). In summary, the available evidence is currently insufficient to determine the role of this variant in disease. Therefore, it has been classified as a Variant of Uncertain Significance. Algorithms developed to predict the effect of missense changes on protein structure and function (SIFT, PolyPhen-2, Align-GVGD) all suggest that this variant is likely to be disruptive. This variant has not been reported in the literature in individuals affected with MPDZ-related conditions.